The following is an entry in ClinVar:

NM_001953.5(TYMP):c.325C>T (p.Arg109Cys)

Gene: TYMP (thymidine phosphorylase; minus strand). Cytogenetic location: 22q13.33.
Variant type: single nucleotide variant.
Coding change: c.325C>T on transcript NM_001953.5 (MANE Select); coding-DNA position 325, C replaced by T.
Protein change: p.Arg109Cys; replaces arginine 109 with cysteine.
Molecular consequence: missense variant.
Genome position (GRCh38, 1-based): chr22:50,529,228, G>A on the plus strand (C>T on the coding strand, the complement: TYMP is on the minus strand). VCF-style: chr22-50529228-G-A. GRCh37 (hg19) VCF-style: chr22-50967657-G-A.
Other names: c.325C>T, p.Arg109Cys (NM_001113755.3, NM_001113756.3, NM_001257988.1 and 1 more transcripts); c.325C>T (NM_001953.3); short protein forms R109C.
Identifiers: ClinVar variation 2202100 (VCV002202100.2), dbSNP rs1015620650, ClinGen allele CA325565295.

ClinVar aggregate classification (germline): Uncertain significance. Review status: criteria provided, multiple submitters, no conflicts (2 of 4 stars). 2 submissions from 2 submitters: Uncertain significance (2). Last evaluated 2025-08-27.

Conditions:
Inborn genetic diseases. Identifiers: MedGen C0950123, MeSH D030342.

Allele frequency attached by ClinVar (database versions not stated): gnomAD 0.00003; TOPMed 0.00005.
gnomAD v4.1: 22 of 1,613,070 alleles (0.0014%); highest among the groups gnomAD compares: African/African-American, 0.008%; no homozygotes.

Submissions (2):

Ambry Genetics
Classification: Uncertain significance for Inborn genetic diseases. Last evaluated: 2025-08-27. Review status: criteria provided, single submitter. Criteria: Ambry Variant Classification Scheme 2023. Collection method: clinical testing. Allele origin: germline.

Labcorp Genetics (formerly Invitae), Labcorp
Classification: Uncertain significance. Last evaluated: 2022-06-30. Review status: criteria provided, single submitter. Criteria: Invitae Variant Classification Sherloc (09022015). Collection method: clinical testing. Allele origin: germline.
Comment: This sequence change replaces arginine, which is basic and polar, with cysteine, which is neutral and slightly polar, at codon 109 of the TYMP protein (p.Arg109Cys). This variant is present in population databases (no rsID available, gnomAD 0.008%). This variant has not been reported in the literature in individuals affected with TYMP-related conditions. Advanced modeling of protein sequence and biophysical properties (such as structural, functional, and spatial information, amino acid conservation, physicochemical variation, residue mobility, and thermodynamic stability) performed at Invitae indicates that this missense variant is not expected to disrupt TYMP protein function. In summary, the available evidence is currently insufficient to determine the role of this variant in disease. Therefore, it has been classified as a Variant of Uncertain Significance.